The following is an entry in ClinVar:

NM_001348800.3(ZBTB20):c.1766C>A (p.Ala589Asp)

Gene: ZBTB20 (zinc finger and BTB domain containing 20; minus strand). Cytogenetic location: 3q13.31.
Variant type: single nucleotide variant.
Coding change: c.1766C>A on transcript NM_001348800.3 (MANE Select); coding-DNA position 1766, C replaced by A.
Protein change: p.Ala589Asp; replaces alanine 589 with aspartic acid.
Molecular consequence: missense variant.
Genome position (GRCh38, 1-based): chr3:114,350,312, G>T on the plus strand (C>A on the coding strand, the complement: ZBTB20 is on the minus strand). VCF-style: chr3-114350312-G-T. GRCh37 (hg19) VCF-style: chr3-114069159-G-T.
Other names: c.1766C>A, p.Ala589Asp (NM_001164342.2, NM_001348803.3, NM_001393393.1 and 1 more transcripts); c.1547C>A, p.Ala516Asp (NM_001164343.2, NM_001164344.4, NM_001164345.4 and 9 more transcripts); short protein forms A589D, A516D.
Identifiers: ClinVar variation 391421 (VCV000391421.2), dbSNP rs1057524076, ClinGen allele CA16604421.
Genomic context (GRCh38, chr3:114,350,312, plus strand): 5'-CTCCAGGTGGGGTGACACTCACCTGTGTGTACGAACATGTGCTTGACGTAGTTCTGTTTG[G>T]CGGTGAAAGTCTTGTTGCAGAGAGTGCACTCATAAGGCTTTTTTTCGCCTTGCCCACTGG-3'
Protein context (NP_001335729.1, residues 579-599): ECTLCNKTFT[Ala589Asp]KQNYVKHMFV

ClinVar aggregate classification (germline): Likely pathogenic (1 of 4 stars; one submission).

Submission:

GeneDx
Classification: Likely pathogenic. Last evaluated: 2016-12-21. Review status: criteria provided, single submitter. Criteria: GeneDx Variant Classification (06012015). Collection method: clinical testing. Allele origin: germline. Affected: yes.
Comment: The A589D variant in the ZBTB20 gene has not been reported previously as a pathogenic variant, nor as a benign variant, to our knowledge. The A589D variant was not observed in approximately 6500 individuals of European and African American ancestry in the NHLBI Exome Sequencing Project, indicating it is not a common benign variant in these populations. The A589D variant is a non-conservative amino acid substitution, which is likely to impact secondary protein structure as these residues differ in polarity, charge, size and/or other properties. This substitution occurs at a position that is conserved across species. In silico analysis is inconsistent in its predictions as to whether or not the variant is damaging to the protein structure/function. The A589D variant is a strong candidate for a pathogenic variant.